The following is an entry in ClinVar:

NM_001844.5(COL2A1):c.781G>T (p.Gly261Ter)

Gene: COL2A1 (collagen type II alpha 1 chain; minus strand). Cytogenetic location: 12q13.11.
Variant type: single nucleotide variant.
Coding change: c.781G>T on transcript NM_001844.5 (MANE Select); coding-DNA position 781, G replaced by T.
Protein change: p.Gly261Ter; replaces glycine 261 with a stop codon.
Molecular consequence: nonsense.
Genome position (GRCh38, 1-based): chr12:47,994,459, C>A on the plus strand (G>T on the coding strand, the complement: COL2A1 is on the minus strand). VCF-style: chr12-47994459-C-A. GRCh37 (hg19) VCF-style: chr12-48388242-C-A.
Other names: c.574G>T, p.Gly192Ter (NM_033150.3); short protein forms G261*, G192*.
Identifiers: ClinVar variation 1457647 (VCV001457647.6), dbSNP rs2136612635, ClinGen allele CA384522467.

ClinVar aggregate classification (germline): Pathogenic (1 of 4 stars; one submission).

Submission:

Labcorp Genetics (formerly Invitae), Labcorp
Classification: Pathogenic. Last evaluated: 2022-11-22. Review status: criteria provided, single submitter. Criteria: Invitae Variant Classification Sherloc (09022015). Collection method: clinical testing. Allele origin: germline.
Comment: ClinVar contains an entry for this variant (Variation ID: 1457647). This variant has not been reported in the literature in individuals affected with COL2A1-related conditions. This variant is not present in population databases (gnomAD no frequency). This sequence change creates a premature translational stop signal (p.Gly261*) in the COL2A1 gene. It is expected to result in an absent or disrupted protein product. Loss-of-function variants in COL2A1 are known to be pathogenic (PMID: 20179744). For these reasons, this variant has been classified as Pathogenic.

Literature cited by the submitters: PubMed 20179744.